The following is an entry in ClinVar:

NM_020843.4(SCAPER):c.2558C>G (p.Thr853Arg)

Gene: SCAPER (S-phase cyclin A associated protein in the ER; minus strand). Cytogenetic location: 15q24.3.
Variant type: single nucleotide variant.
Coding change: c.2558C>G on transcript NM_020843.4 (MANE Select); coding-DNA position 2558, C replaced by G.
Protein change: p.Thr853Arg; replaces threonine 853 with arginine.
Molecular consequence: missense variant. On other transcripts: non-coding transcript variant (1).
Genome position (GRCh38, 1-based): chr15:76,665,740, G>C on the plus strand (C>G on the coding strand, the complement: SCAPER is on the minus strand). VCF-style: chr15-76665740-G-C. GRCh37 (hg19) VCF-style: chr15-76958081-G-C.
Other names: c.2156C>G, p.Thr719Arg (NM_001353010.2, NM_001353012.2); c.2174C>G, p.Thr725Arg (NM_001353011.2); c.1820C>G, p.Thr607Arg (NM_001145923.2); c.2576C>G, p.Thr859Arg (NM_001353009.2); c.2576C>G (NM_001353009.1); short protein forms T859R, T607R, T853R, T719R, T725R.
Identifiers: ClinVar variation 3158286 (VCV003158286.3), dbSNP rs1475092782, ClinGen allele CA393634339.

ClinVar aggregate classification (germline): Uncertain significance. Review status: criteria provided, multiple submitters, no conflicts (2 of 4 stars). 3 submissions from 3 submitters: Uncertain significance (3). Last evaluated 2025-12-03.

Conditions:
Inborn genetic diseases. Identifiers: MedGen C0950123, MeSH D030342.
SCAPER-related disorder. Also called: SCAPER-related condition.

Allele frequency attached by ClinVar (database versions not stated): gnomAD 0.00002; TOPMed 0.00002.
gnomAD v4.1: 7 of 1,553,364 alleles (0.00045%); highest among the groups gnomAD compares: Non-Finnish European, 0.00052%; no homozygotes.

Submissions (3):

PreventionGenetics, part of Exact Sciences
Classification: Uncertain significance for SCAPER-related condition. Last evaluated: 2025-12-03. Review status: criteria provided, single submitter. Criteria: ACMG Guidelines, 2015. Collection method: clinical testing. Allele origin: germline.
Comment: The SCAPER c.2576C>G variant is predicted to result in the amino acid substitution p.Thr859Arg. To our knowledge, this variant has not been reported in the literature or in a large population database (gnomAD), indicating this variant is rare. At this time, the clinical significance of this variant is uncertain due to the absence of conclusive functional and genetic evidence.

Ambry Genetics
Classification: Uncertain significance for Inborn genetic diseases. Last evaluated: 2023-10-16. Review status: criteria provided, single submitter. Criteria: Ambry Variant Classification Scheme 2023. Collection method: clinical testing. Allele origin: germline.

Blueprint Genetics
Classification: Uncertain significance. Last evaluated: 2022-06-28. Review status: criteria provided, single submitter. Criteria: ACMG Guidelines, 2015. Collection method: clinical testing. Allele origin: germline.